The following is an entry in ClinVar:

ClinVar aggregate classification (germline): Uncertain significance (1 of 4 stars; one submission).

Conditions:
Lysinuric protein intolerance (LPI). Identifiers: Orphanet 470, MedGen C0268647, MONDO:0009109, OMIM 222700.

Allele frequency attached by ClinVar (database versions not stated): TOPMed below 0.00001.

Submission:

Labcorp Genetics (formerly Invitae), Labcorp
Classification: Uncertain significance for Lysinuric protein intolerance. Last evaluated: 2021-10-14. Review status: criteria provided, single submitter. Criteria: Invitae Variant Classification Sherloc (09022015). Collection method: clinical testing. Allele origin: germline.
Comment: This sequence change replaces leucine with proline at codon 395 of the SLC7A7 protein (p.Leu395Pro). The leucine residue is highly conserved and there is a moderate physicochemical difference between leucine and proline. In summary, the available evidence is currently insufficient to determine the role of this variant in disease. Therefore, it has been classified as a Variant of Uncertain Significance. Algorithms developed to predict the effect of missense changes on protein structure and function are either unavailable or do not agree on the potential impact of this missense change (SIFT: "Deleterious"; PolyPhen-2: "Probably Damaging"; Align-GVGD: "Class C0"). This variant has not been reported in the literature in individuals affected with SLC7A7-related conditions. This variant is not present in population databases (ExAC no frequency).

NM_003982.4(SLC7A7):c.1184T>C (p.Leu395Pro)

Gene: SLC7A7 (solute carrier family 7 member 7; minus strand). Cytogenetic location: 14q11.2.
Variant type: single nucleotide variant.
Coding change: c.1184T>C on transcript NM_003982.4 (MANE Select); coding-DNA position 1184, T replaced by C.
Protein change: p.Leu395Pro; replaces leucine 395 with proline.
Molecular consequence: missense variant.
Genome position (GRCh38, 1-based): chr14:22,774,415, A>G on the plus strand (T>C on the coding strand, the complement: SLC7A7 is on the minus strand). VCF-style: chr14-22774415-A-G. GRCh37 (hg19) VCF-style: chr14-23243624-A-G.
Other names: c.1184T>C, p.Leu395Pro (NM_001126105.3, NM_001126106.4); short protein forms L395P.
Identifiers: ClinVar variation 1386828 (VCV001386828.6), dbSNP rs886050405, ClinGen allele CA388921797.